The following is an entry in ClinVar:

ClinVar aggregate classification (germline): Uncertain significance (1 of 4 stars; one submission).

Conditions:
Autosomal dominant Alport syndrome (ATS3A). Also called: Alport syndrome dominant type; Renal failure and sensorineural hearing loss; ALPORT SYNDROME 3A, AUTOSOMAL DOMINANT. Identifiers: Orphanet 63, Orphanet 88918, MedGen C5882663, MONDO:0007086, OMIM 104200.

Submission:

MVZ Medizinische Genetik Mainz
Classification: Uncertain significance for Autosomal dominant Alport syndrome. Last evaluated: 2024-07-03. Review status: criteria provided, single submitter. Criteria: UK Practice Guidelines For Variant Classification V4 01 2020. Collection method: clinical testing. Allele origin: germline. Inheritance: Autosomal dominant inheritance. Affected: yes. Observed: 1 variant allele.
Comment: ACMG Criteria: PM2_SUP,PP3,PP4

NM_000091.5(COL4A3):c.1927+4G>T

Genes: MFF-DT (MFF divergent transcript; minus strand), COL4A3 (collagen type IV alpha 3 chain; plus strand). Cytogenetic location: 2q36.3.
Variant type: single nucleotide variant.
Coding change: c.1927+4G>T on transcript NM_000091.5 (MANE Select); 4 bases into the intron after coding-DNA position 1927, G replaced by T.
Molecular consequence: intron variant.
Genome position (GRCh38, 1-based): chr2:227,273,121, G>T. VCF-style: chr2-227273121-G-T. GRCh37 (hg19) VCF-style: chr2-228137837-G-T.
Identifiers: ClinVar variation 3256860 (VCV003256860.1).